The following is an entry in ClinVar:

ClinVar aggregate classification (germline): Pathogenic (1 of 4 stars; one submission).

Conditions:
Primary ciliary dyskinesia. Also called: Ciliary dyskinesia. Identifiers: Orphanet 244, MedGen C0008780, MONDO:0016575, HP:0012265.

Allele frequency attached by ClinVar (database versions not stated): gnomAD exomes below 0.00001; TOPMed below 0.00001; ExAC 0.00001.

Submission:

Labcorp Genetics (formerly Invitae), Labcorp
Classification: Pathogenic for Primary ciliary dyskinesia. Last evaluated: 2023-02-11. Review status: criteria provided, single submitter. Criteria: Invitae Variant Classification Sherloc (09022015). Collection method: clinical testing. Allele origin: germline.
Comment: This variant has not been reported in the literature in individuals affected with DNAAF1-related conditions. For these reasons, this variant has been classified as Pathogenic. This variant is present in population databases (rs751994125, gnomAD 0.01%). This sequence change creates a premature translational stop signal (p.Ser583Glnfs*2) in the DNAAF1 gene. It is expected to result in an absent or disrupted protein product. Loss-of-function variants in DNAAF1 are known to be pathogenic (PMID: 19944400, 19944405).

Literature cited by the submitters: PubMed 19944400; PubMed 19944405.

NM_178452.6(DNAAF1):c.1746dup (p.Ser583fs)

Gene: DNAAF1 (dynein axonemal assembly factor 1; plus strand). Cytogenetic location: 16q24.1.
Variant type: Duplication.
Coding change: c.1746dup on transcript NM_178452.6 (MANE Select); coding-DNA position 1746, one base duplicated (C; older notation c.1746dupC).
Protein change: p.Ser583fs; shifts the reading frame from serine 583.
Molecular consequence: frameshift variant.
Genome position (GRCh38, 1-based): chr16:84,175,980, C duplicated. VCF-style (leftmost placement, unchanged base first): chr16-84175979-A-AC. GRCh37 (hg19) VCF-style: chr16-84209585-A-AC.
Other names: c.1038dup, p.Ser347fs (NM_001318756.1); short protein forms S583fs, S347fs.
Identifiers: ClinVar variation 2981110 (VCV002981110.3), dbSNP rs751994125, ClinGen allele CA8203024.
Genomic context (GRCh38, chr16:84,175,979, plus strand): 5'-TCTTCTGTAAATAGAATATGTGCTTTCCGAAGATTGAGGTCATCTCGAGCTTGAGTGATG[A>AC]CAGTGACCCTGAACTGGACTACACGTCACTCCCTGTGCTGGAAAACCTCCCCACAGACAC-3'